The following is an entry in ClinVar:

ClinVar aggregate classification (germline): Benign (1 of 4 stars; one submission).

Allele frequency attached by ClinVar (database versions not stated): gnomAD 0.03004 and 0.03170; TOPMed 0.03406; 1000 Genomes Project 0.04034; 1000 Genomes Project 30x 0.04091.
gnomAD v4.1: 4,522 of 152,184 alleles (3%); highest among the groups gnomAD compares: African/African-American, 10%; 228 homozygotes.

Submission:

GeneDx
Classification: Benign. Last evaluated: 2018-06-14. Review status: criteria provided, single submitter. Criteria: GeneDx Variant Classification (06012015). Collection method: clinical testing. Allele origin: germline. Affected: yes.
Comment: This variant is considered likely benign or benign based on one or more of the following criteria: it is a conservative change, it occurs at a poorly conserved position in the protein, it is predicted to be benign by multiple in silico algorithms, and/or has population frequency not consistent with disease.

NM_000334.4(SCN4A):c.3145-164C>T

Genes: GH-LCR (growth hormone locus control region; plus strand), SCN4A (sodium voltage-gated channel alpha subunit 4; minus strand). Cytogenetic location: 17q23.3.
Variant type: single nucleotide variant.
Coding change: c.3145-164C>T on transcript NM_000334.4 (MANE Select); 164 bases into the intron before coding-DNA position 3145, C replaced by T.
Molecular consequence: intron variant.
Genome position (GRCh38, 1-based): chr17:63,948,227, G>A on the plus strand (C>T on the coding strand, the complement: SCN4A is on the minus strand). VCF-style: chr17-63948227-G-A. GRCh37 (hg19) VCF-style: chr17-62025587-G-A.
Identifiers: ClinVar variation 678407 (VCV000678407.1), dbSNP rs73992418, ClinGen allele CA292962967.